The following is an entry in ClinVar:

NM_001684.5(ATP2B4):c.3024+5G>C

Gene: ATP2B4 (ATPase plasma membrane Ca2+ transporting 4; plus strand). Cytogenetic location: 1q32.1.
Variant type: single nucleotide variant.
Coding change: c.3024+5G>C on transcript NM_001684.5 (MANE Select); 5 bases into the intron after coding-DNA position 3024, G replaced by C.
Molecular consequence: intron variant.
Genome position (GRCh38, 1-based): chr1:203,722,694, G>C. VCF-style: chr1-203722694-G-C. GRCh37 (hg19) VCF-style: chr1-203691822-G-C.
Other names: c.3024+5G>C (NM_001001396.3, NM_001365783.2, NM_001365784.2).
Identifiers: ClinVar variation 1354965 (VCV001354965.7), dbSNP rs183918559, ClinGen allele CA1342010.
Genomic context (GRCh38, chr1:203,722,694, plus strand): 5'-GCATCTACCGCAACATTATCTTCTGCTCTGTAGTCTTGGGCACATTCATCTGCCAGGTGA[G>C]ATTCTATCTGCAGTTGGGGCAGGAGATCTGGAATGATAAAGGGCAGAAGCTGGGAGCCAG-3'

ClinVar aggregate classification (germline): Uncertain significance (1 of 4 stars; one submission).

Allele frequency attached by ClinVar (database versions not stated): gnomAD exomes 0.00049 and 0.00065; ExAC 0.00052; TOPMed 0.00055; 1000 Genomes Project 0.00060; gnomAD 0.00061; 1000 Genomes Project 30x 0.00062; ESP Exome Variant Server 0.00077.
gnomAD v4.1: 1,027 of 1,613,726 alleles (0.064%); highest among the groups gnomAD compares: Non-Finnish European, 0.078%; 3 homozygotes.

Submissions (7):

Labcorp Genetics (formerly Invitae), Labcorp
Classification: Uncertain significance. Last evaluated: 2025-12-23. Review status: criteria provided, single submitter. Criteria: Invitae Variant Classification Sherloc (09022015). Collection method: clinical testing. Allele origin: germline.
Comment: This sequence change falls in intron 18 of the ATP2B4 gene. It does not directly change the encoded amino acid sequence of the ATP2B4 protein. It affects a nucleotide within the consensus splice site. This variant is present in population databases (rs183918559, gnomAD 0.09%), and has an allele count higher than expected for a pathogenic variant. This variant has not been reported in the literature in individuals affected with ATP2B4-related conditions. ClinVar contains an entry for this variant (Variation ID: 1354965). Variants that disrupt the consensus splice site are a relatively common cause of aberrant splicing (PMID: 17576681, 9536098). Algorithms developed to predict the effect of sequence changes on RNA splicing suggest that this variant may disrupt the consensus splice site. In summary, the available evidence is currently insufficient to determine the role of this variant in disease. Therefore, it has been classified as a Variant of Uncertain Significance.

Dr. Peter K. Rogan Lab, Western University
No classification provided (evidence only). Condition: Cervical cancer. Review status: no classification provided. Collection method: in vitro. Allele origin: not applicable. Functional consequence: retained intron. Not counted in ClinVar's aggregate classification.

Dr. Peter K. Rogan Lab, Western University
No classification provided (evidence only). Condition: Cervical cancer. Review status: no classification provided. Collection method: in vitro. Allele origin: not applicable. Functional consequence: retained intron. Not counted in ClinVar's aggregate classification.

Dr. Peter K. Rogan Lab, Western University
No classification provided (evidence only). Condition: Sarcoma. Review status: no classification provided. Collection method: in vitro. Allele origin: not applicable. Functional consequence: retained intron. Not counted in ClinVar's aggregate classification.

Dr. Peter K. Rogan Lab, Western University
No classification provided (evidence only). Condition: Malignant tumor of esophagus. Review status: no classification provided. Collection method: in vitro. Allele origin: not applicable. Functional consequence: retained intron. Not counted in ClinVar's aggregate classification.

Dr. Peter K. Rogan Lab, Western University
No classification provided (evidence only). Condition: Chronic lymphocytic leukemia/small lymphocytic lymphoma. Review status: no classification provided. Collection method: in vitro. Allele origin: not applicable. Functional consequence: retained intron. Not counted in ClinVar's aggregate classification.

Dr. Peter K. Rogan Lab, Western University
No classification provided (evidence only). Condition: Familial pancreatic carcinoma. Review status: no classification provided. Collection method: in vitro. Allele origin: not applicable. Functional consequence: retained intron. Not counted in ClinVar's aggregate classification.

Literature cited by the submitters: PubMed 17576681 (cited by Labcorp Genetics (formerly Invitae), Labcorp); PubMed 9536098 (cited by Labcorp Genetics (formerly Invitae), Labcorp).